The following is an entry in ClinVar:

NM_001148.6(ANK2):c.3379+4C>T

Gene: ANK2 (ankyrin 2; plus strand). Cytogenetic location: 4q26.
Variant type: single nucleotide variant.
Coding change: c.3379+4C>T on transcript NM_001148.6 (MANE Select); 4 bases into the intron after coding-DNA position 3379, C replaced by T.
Molecular consequence: intron variant.
Genome position (GRCh38, 1-based): chr4:113,333,212, C>T. VCF-style: chr4-113333212-C-T. GRCh37 (hg19) VCF-style: chr4-114254368-C-T.
Other names: c.3364+4C>T (NM_001386186.2, NM_001386148.2); c.3166+4C>T (NM_001354269.3); c.3244+4C>T (NM_001386187.2); c.3238+4C>T (NM_001386147.1, NM_001354261.2); c.3223+4C>T (NM_001386160.1); c.3328+4C>T (NM_001354254.2); c.3349+4C>T (NM_001354239.2, NM_001354252.2); c.3250+4C>T (NM_001354272.2); and 28 more.
Identifiers: ClinVar variation 902853 (VCV000902853.8), dbSNP rs752152002, ClinGen allele CA3050827.

ClinVar aggregate classification (germline): Conflicting classifications of pathogenicity. Review status: criteria provided, conflicting classifications (1 of 4 stars). 4 submissions from 4 submitters: Uncertain significance (2); Benign (1); Likely benign (1). Last evaluated 2024-10-24.

Conditions:
Long QT syndrome (LQTS). Identifiers: MedGen C0023976, MeSH D008133, MONDO:0002442. Disease mechanism: loss of function. Inheritance: Various modes of inheritance.
Cardiovascular phenotype. Identifiers: MedGen CN230736.
Cardiac arrhythmia, ankyrin-B-related. Also called: ANKYRIN-B SYNDROME. Identifiers: Orphanet 101016, Orphanet 768, MedGen C1970119, MONDO:0010958, OMIM 600919.

Allele frequency attached by ClinVar (database versions not stated): TOPMed 0.00002.
gnomAD v4.1: 29 of 1,613,908 alleles (0.0018%); highest among the groups gnomAD compares: South Asian, 0.018%; no homozygotes.

Submissions (4):

Ambry Genetics
Classification: Benign for Cardiovascular phenotype. Last evaluated: 2024-10-24. Review status: criteria provided, single submitter. Criteria: Ambry Variant Classification Scheme 2023. Collection method: clinical testing. Allele origin: germline.

Labcorp Genetics (formerly Invitae), Labcorp
Classification: Uncertain significance for Long QT syndrome. Last evaluated: 2024-06-07. Review status: criteria provided, single submitter. Criteria: Invitae Variant Classification Sherloc (09022015). Collection method: clinical testing. Allele origin: germline.
Comment: This sequence change falls in intron 29 of the ANK2 gene. It does not directly change the encoded amino acid sequence of the ANK2 protein. It affects a nucleotide within the consensus splice site. This variant is present in population databases (rs752152002, gnomAD 0.03%). This variant has not been reported in the literature in individuals affected with ANK2-related conditions. ClinVar contains an entry for this variant (Variation ID: 902853). Variants that disrupt the consensus splice site are a relatively common cause of aberrant splicing (PMID: 17576681, 9536098). Algorithms developed to predict the effect of sequence changes on RNA splicing suggest that this variant is not likely to affect RNA splicing. In summary, the available evidence is currently insufficient to determine the role of this variant in disease. Therefore, it has been classified as a Variant of Uncertain Significance.

Blueprint Genetics
Classification: Likely benign. Last evaluated: 2023-04-25. Review status: criteria provided, single submitter. Criteria: ACMG Guidelines, 2015. Collection method: clinical testing. Allele origin: germline.

Illumina Laboratory Services, Illumina
Classification: Uncertain significance for Cardiac arrhythmia, ankyrin-B-related. Last evaluated: 2018-01-13. Review status: criteria provided, single submitter. Criteria: ICSL Variant Classification Criteria 13 December 2019. Collection method: clinical testing. Allele origin: germline.

Literature cited by the submitters: PubMed 17576681 (cited by Labcorp Genetics (formerly Invitae), Labcorp); PubMed 9536098 (cited by Labcorp Genetics (formerly Invitae), Labcorp).